The following is an entry in ClinVar:

ClinVar aggregate classification (germline): Conflicting classifications of pathogenicity. Review status: criteria provided, conflicting classifications (1 of 4 stars). 3 submissions from 3 submitters: Uncertain significance (2); Likely benign (1). Last evaluated 2025-11-24.

Conditions:
OPLAH-related disorder. Also called: OPLAH-related condition.
5-Oxoprolinase deficiency (OPLAHD). Also called: 5-OXOPROLINURIA DUE TO 5-OXOPROLINASE DEFICIENCY. Identifiers: Orphanet 33572, MedGen C0268525, MONDO:0009825, OMIM 260005, HP:0040142.

Allele frequency attached by ClinVar (database versions not stated): gnomAD exomes 0.00011 and 0.00025; ExAC 0.00036; gnomAD 0.00102 and 0.00111; ESP Exome Variant Server 0.00105; TOPMed 0.00112; 1000 Genomes Project 30x 0.00141; 1000 Genomes Project 0.00160.
gnomAD v4.1: 324 of 1,589,562 alleles (0.02%); highest among the groups gnomAD compares: African/African-American, 0.39%; no homozygotes.

Submissions (3):

Ambry Genetics
Classification: Uncertain significance. Last evaluated: 2025-11-24. Review status: criteria provided, single submitter. Criteria: Ambry Variant Classification Scheme 2023. Collection method: clinical testing. Allele origin: germline.

Labcorp Genetics (formerly Invitae), Labcorp
Classification: Likely benign for 5-Oxoprolinase deficiency. Last evaluated: 2025-07-29. Review status: criteria provided, single submitter. Criteria: Invitae Variant Classification Sherloc (09022015). Collection method: clinical testing. Allele origin: germline.

PreventionGenetics, part of Exact Sciences
Classification: Uncertain significance for OPLAH-related condition. Last evaluated: 2025-03-31. Review status: criteria provided, single submitter. Criteria: ACMG Guidelines, 2015. Collection method: clinical testing. Allele origin: germline.
Comment: The OPLAH c.1318A>G variant is predicted to result in the amino acid substitution p.Asn440Asp. To our knowledge, this variant has not been reported in the literature. This variant is reported in 0.33% of alleles in individuals of African descent in gnomAD. At this time, the clinical significance of this variant is uncertain due to the absence of conclusive functional and genetic evidence.

NM_017570.5(OPLAH):c.1318A>G (p.Asn440Asp)

Gene: OPLAH (5-oxoprolinase, ATP-hydrolysing; minus strand). Cytogenetic location: 8q24.3.
Variant type: single nucleotide variant.
Coding change: c.1318A>G on transcript NM_017570.5 (MANE Select); coding-DNA position 1318, A replaced by G.
Protein change: p.Asn440Asp; replaces asparagine 440 with aspartic acid.
Molecular consequence: missense variant.
Genome position (GRCh38, 1-based): chr8:144,057,552, T>C on the plus strand (A>G on the coding strand, the complement: OPLAH is on the minus strand). VCF-style: chr8-144057552-T-C. GRCh37 (hg19) VCF-style: chr8-145112455-T-C.
Other names: c.1318A>G (NM_017570.3); short protein forms N440D.
Identifiers: ClinVar variation 720225 (VCV000720225.10), dbSNP rs200098915, ClinGen allele CA4931920.
Genomic context (GRCh38, chr8:144,057,552, plus strand): 5'-CGCGCACGAACCCCATGGCCACCTCCTCCAGGCTCAGCGGGGAGGCCGGGCAGGGCCCGT[T>C]GGTCAGGAAGCTGTTGACCTCAGTGGCCACAGCCTCCAGGGCTTTGCGGGAGGCCTCAGG-3'
Protein context (NP_060040.1, residues 430-450): VATEVNSFLT[Asn440Asp]GPCPASPLSL